The following is an entry in ClinVar:

NM_001267550.2(TTN):c.99466C>T (p.His33156Tyr)

Genes: TTN (titin; minus strand), TTN-AS1 (TTN antisense RNA 1; plus strand). Cytogenetic location: 2q31.2.
Variant type: single nucleotide variant.
Coding change: c.99466C>T on transcript NM_001267550.2 (MANE Select); coding-DNA position 99466, C replaced by T.
Protein change: p.His33156Tyr; replaces histidine 33156 with tyrosine.
Molecular consequence: missense variant.
Genome position (GRCh38, 1-based): chr2:178,537,741, G>A on the plus strand (C>T on the coding strand, the complement: TTN is on the minus strand). VCF-style: chr2-178537741-G-A. GRCh37 (hg19) VCF-style: chr2-179402468-G-A.
Other names: c.94543C>T, p.His31515Tyr (NM_001256850.1); c.72271C>T, p.His24091Tyr (NM_003319.4); c.72646C>T, p.His24216Tyr (NM_133432.3); c.72847C>T, p.His24283Tyr (NM_133437.4); c.91762C>T, p.His30588Tyr (NM_133378.4); short protein forms H30588Y, H33156Y, H24091Y, H24216Y, H24283Y, H31515Y.
Identifiers: ClinVar variation 229556 (VCV000229556.10), dbSNP rs374666520, ClinGen allele CA1986182.

ClinVar aggregate classification (germline): Uncertain significance. Review status: criteria provided, multiple submitters, no conflicts (2 of 4 stars). 4 submissions from 4 submitters: Uncertain significance (4). Last evaluated 2025-06-25.

Conditions:
TTN-related disorder. Also called: TTN-related disorders; TTN-related condition; TTN-related disease.

Allele frequency attached by ClinVar (database versions not stated): ExAC 0.00001; gnomAD 0.00001; gnomAD exomes 0.00002; TOPMed 0.00002; ESP Exome Variant Server 0.00008.
gnomAD v4.1: 66 of 1,613,654 alleles (0.0041%); highest among the groups gnomAD compares: Non-Finnish European, 0.0053%; no homozygotes.

Submissions (4):

PreventionGenetics, part of Exact Sciences
Classification: Uncertain significance for TTN-related condition. Last evaluated: 2025-06-25. Review status: criteria provided, single submitter. Criteria: ACMG Guidelines, 2015. Collection method: clinical testing. Allele origin: germline.
Comment: The TTN c.99466C>T variant is predicted to result in the amino acid substitution p.His33156Tyr. To our knowledge, this variant has not been reported in the literature. This variant is reported in 0.0035% of alleles in individuals of European (Non-Finnish) descent in gnomAD. At this time, the clinical significance of this variant is uncertain due to the absence of conclusive functional and genetic evidence.

Women's Health and Genetics/Laboratory Corporation of America, LabCorp
Classification: Uncertain significance. Last evaluated: 2025-03-24. Review status: criteria provided, single submitter. Criteria: LabCorp Variant Classification Summary - May 2015. Collection method: clinical testing. Allele origin: germline.
Comment: Variant summary: TTN c.91762C>T (p.His30588Tyr) results in a conservative amino acid change in the encoded protein sequence. Two of four in-silico tools predict a benign effect of the variant on protein function. The variant allele was found at a frequency of 2e-05 in 249096 control chromosomes. The available data on variant occurrences in the general population are insufficient to allow any conclusion about variant significance. To our knowledge, no occurrence of c.91762C>T in individuals affected with Dilated Cardiomyopathy and no experimental evidence demonstrating its impact on protein function have been reported. ClinVar contains an entry for this variant (Variation ID: 229556). Based on the evidence outlined above, the variant was classified as uncertain significance.

Revvity Omics, Revvity
Classification: Uncertain significance. Last evaluated: 2019-10-30. Review status: criteria provided, single submitter. Criteria: ACMG Guidelines, 2015. Collection method: clinical testing. Allele origin: germline.

Laboratory for Molecular Medicine, Mass General Brigham Personalized Medicine
Classification: Uncertain significance. Last evaluated: 2015-06-19. Review status: criteria provided, single submitter. Criteria: LMM Criteria. Collection method: clinical testing. Allele origin: germline. Observed: 1 variant allele.
Comment: The p.His30588Tyr variant in TTN has not been previously reported in individuals with cardiomyopathy, but has been identified in 1/66596 European chromosomes by the Exome Aggregation Consortium (ExAC; dbSNP r s374666520). Computational prediction tools and conservation analysis suggest th at this variant may impact the protein, though this information is not predictiv e enough to determine pathogenicity. In summary, the clinical significance of th e p.His30588Tyr variant is uncertain.